The following is an entry in ClinVar:

NM_032977.4(CASP10):c.479G>T (p.Gly160Val)

Gene: CASP10 (caspase 10; plus strand). Cytogenetic location: 2q33.1.
Variant type: single nucleotide variant.
Coding change: c.479G>T on transcript NM_032977.4 (MANE Select); coding-DNA position 479, G replaced by T.
Protein change: p.Gly160Val; replaces glycine 160 with valine.
Molecular consequence: missense variant.
Genome position (GRCh38, 1-based): chr2:201,193,021, G>T. VCF-style: chr2-201193021-G-T. GRCh37 (hg19) VCF-style: chr2-202057744-G-T.
Other names: c.479G>T, p.Gly160Val (NM_001306083.2, NM_032974.5, NM_032976.4 and 3 more transcripts); short protein forms G160V.
Identifiers: ClinVar variation 4783259 (VCV004783259.1).

ClinVar aggregate classification (germline): Uncertain significance (1 of 4 stars; one submission).

Conditions:
Autoimmune lymphoproliferative syndrome type 2A (ALPS2A). Also called: CASP10-Related Autoimmune Lymphoproliferative Syndrome; AUTOIMMUNE LYMPHOPROLIFERATIVE SYNDROME, TYPE IIA; Autoimmune lymphoproliferative syndrome type 2. Identifiers: Orphanet 3261, MedGen C1858968, MONDO:0011383, OMIM 603909.

Submission:

Labcorp Genetics (formerly Invitae), Labcorp
Classification: Uncertain significance for Autoimmune lymphoproliferative syndrome type 2A. Last evaluated: 2025-03-24. Review status: criteria provided, single submitter. Criteria: Invitae Variant Classification Sherloc (09022015). Collection method: clinical testing. Allele origin: germline.
Comment: This sequence change replaces glycine, which is neutral and non-polar, with valine, which is neutral and non-polar, at codon 160 of the CASP10 protein (p.Gly160Val). This variant is not present in population databases (gnomAD no frequency). This variant has not been reported in the literature in individuals affected with CASP10-related conditions. Invitae Evidence Modeling of protein sequence and biophysical properties (such as structural, functional, and spatial information, amino acid conservation, physicochemical variation, residue mobility, and thermodynamic stability) indicates that this missense variant is not expected to disrupt CASP10 protein function with a negative predictive value of 80%. In summary, the available evidence is currently insufficient to determine the role of this variant in disease. Therefore, it has been classified as a Variant of Uncertain Significance.